The following is an entry in ClinVar:

NM_133433.4(NIPBL):c.3304+1G>A

Gene: NIPBL (NIPBL cohesin loading factor; plus strand). Cytogenetic location: 5p13.2.
Variant type: single nucleotide variant.
Coding change: c.3304+1G>A on transcript NM_133433.4 (MANE Select); the canonical splice donor site of the intron after coding-DNA position 3304, G replaced by A.
Molecular consequence: splice donor variant.
Genome position (GRCh38, 1-based): chr5:36,995,805, G>A. VCF-style: chr5-36995805-G-A. GRCh37 (hg19) VCF-style: chr5-36995907-G-A.
Other names: c.3304+1G>A (NM_015384.5).
Identifiers: ClinVar variation 543051 (VCV000543051.8), dbSNP rs1554019712, ClinGen allele CA359514578.

ClinVar aggregate classification (germline): Pathogenic/Likely pathogenic. Review status: criteria provided, multiple submitters, no conflicts (2 of 4 stars). 2 submissions from 2 submitters: Pathogenic (1); Likely pathogenic (1). Last evaluated 2017-08-23.

Conditions:
Cornelia de Lange syndrome 1 (CDLS1). Also called: TYPUS DEGENERATIVUS AMSTELODAMENSIS; Brachmann de Lange syndrome; NIPBL-Related Cornelia de Lange Syndrome. Identifiers: Orphanet 199, MedGen C4551851, MONDO:0007387, OMIM 122470.
Neurodevelopmental delay. Identifiers: MedGen C4022738, HP:0012758.

Submissions (2):

Labcorp Genetics (formerly Invitae), Labcorp
Classification: Pathogenic for Cornelia de Lange syndrome 1. Last evaluated: 2017-08-23. Review status: criteria provided, single submitter. Criteria: Invitae Variant Classification Sherloc (09022015). Collection method: clinical testing. Allele origin: germline.
Comment: This variant is not present in population databases (ExAC no frequency). This variant has not been reported in the literature in individuals with NIPBL-related disease. Algorithms developed to predict the effect of sequence changes on RNA splicing suggest that this variant may disrupt the consensus splice site, but this prediction has not been confirmed by published transcriptional studies. A different variant affecting this nucleotide (c.3304+1G>T) has been determined to be pathogenic in an individual affected with Cornelia de Lange Syndrome (PMID: 20824775). This suggests that this nucleotide is important for normal RNA splicing, and that other variants at this position may also be pathogenic. Donor and acceptor splice site variants typically lead to a loss of protein function (PMID: 16199547), and loss-of-function variants in NIPBL are known to be pathogenic (PMID: 24038889). For these reasons, this variant has been classified as Pathogenic. This sequence change affects a donor splice site in intron 11 of the NIPBL gene. It is expected to disrupt RNA splicing and likely results in an absent or disrupted protein product.

Centre de Biologie Pathologie Génétique, Centre Hospitalier Universitaire de Lille
Classification: Likely pathogenic for Neurodevelopmental delay. Review status: criteria provided, single submitter. Criteria: ACMG Guidelines, 2015. Collection method: clinical testing. Allele origin: de novo. Affected: yes.

Literature cited by the submitters: PubMed 20824775 (cited by Labcorp Genetics (formerly Invitae), Labcorp); PubMed 16199547 (cited by Labcorp Genetics (formerly Invitae), Labcorp); PubMed 24038889 (cited by Labcorp Genetics (formerly Invitae), Labcorp).